The following is an entry in ClinVar:

ClinVar aggregate classification (germline): Uncertain significance (1 of 4 stars; one submission).

Conditions:
EPILEPSY, CHILDHOOD ABSENCE, SUSCEPTIBILITY TO, 2 (ECA2). Identifiers: Orphanet 64280, MedGen C1843244, OMIM 607681.
Febrile seizures, familial, 8 (FEB8). Also called: CONVULSIONS, FAMILIAL FEBRILE, 8. Identifiers: Orphanet 36387, MedGen C1969810, MONDO:0011891, OMIM 607681.

gnomAD v4.1: 1 of 1,612,168 alleles (0.000062%); highest among the groups gnomAD compares: African/African-American, 0.0013%; no homozygotes.

Submission:

Labcorp Genetics (formerly Invitae), Labcorp
Classification: Uncertain significance for Febrile seizures, familial, 8; EPILEPSY, CHILDHOOD ABSENCE, SUSCEPTIBILITY TO, 2. Last evaluated: 2021-07-01. Review status: criteria provided, single submitter. Criteria: Invitae Variant Classification Sherloc (09022015). Collection method: clinical testing. Allele origin: germline.
Comment: In summary, the available evidence is currently insufficient to determine the role of this variant in disease. Therefore, it has been classified as a Variant of Uncertain Significance. Advanced modeling of protein sequence and biophysical properties (such as structural, functional, and spatial information, amino acid conservation, physicochemical variation, residue mobility, and thermodynamic stability) performed at Invitae indicates that this missense variant is not expected to disrupt GABRG2 protein function. This sequence change replaces threonine with arginine at codon 24 of the GABRG2 protein (p.Thr24Arg). The threonine residue is moderately conserved and there is a moderate physicochemical difference between threonine and arginine. This variant is not present in population databases (ExAC no frequency). This variant has not been reported in the literature in individuals affected with GABRG2-related conditions.

NM_198904.4(GABRG2):c.71C>G (p.Thr24Arg)

Gene: GABRG2 (gamma-aminobutyric acid type A receptor subunit gamma2; plus strand). Cytogenetic location: 5q34.
Variant type: single nucleotide variant.
Coding change: c.71C>G on transcript NM_198904.4 (MANE Select); coding-DNA position 71, C replaced by G.
Protein change: p.Thr24Arg; replaces threonine 24 with arginine.
Molecular consequence: missense variant. On other transcripts: 5 prime UTR variant (3), intron variant (1).
Genome position (GRCh38, 1-based): chr5:162,068,070, C>G. VCF-style: chr5-162068070-C-G. GRCh37 (hg19) VCF-style: chr5-161495076-C-G.
Other names: c.71C>G, p.Thr24Arg (NM_000816.3, NM_001375339.1, NM_001375340.1 and 5 more transcripts); c.5C>G, p.Thr2Arg (NM_001375345.1, NM_001375346.1); c.-288C>G (NM_001375348.1, NM_001375350.1); c.-336C>G (NM_001375349.1); c.20+429C>G (NM_001375347.1); short protein forms T24R, T2R.
Identifiers: ClinVar variation 1464691 (VCV001464691.8), dbSNP rs1060501891, ClinGen allele CA362181852.